The following is an entry in ClinVar:

NM_000111.3(SLC26A3):c.1021G>A (p.Gly341Arg)

Gene: SLC26A3 (solute carrier family 26 member 3; minus strand). Cytogenetic location: 7q22.3.
Variant type: single nucleotide variant.
Coding change: c.1021G>A on transcript NM_000111.3 (MANE Select); coding-DNA position 1021, G replaced by A.
Protein change: p.Gly341Arg; replaces glycine 341 with arginine.
Molecular consequence: missense variant.
Genome position (GRCh38, 1-based): chr7:107,783,303, C>T on the plus strand (G>A on the coding strand, the complement: SLC26A3 is on the minus strand). VCF-style: chr7-107783303-C-T. GRCh37 (hg19) VCF-style: chr7-107423748-C-T.
Other names: short protein forms G341R.
Identifiers: ClinVar variation 4823037 (VCV004823037.4).
Genomic context (GRCh38, chr7:107,783,303, plus strand): 5'-AGACGCTGGCAACTGAAAAGGCCACTGCAAATGCAACCATTGCGATGCCGAAGCAATCTC[C>T]TACGGTGTTTTGGAAAGTCTCCACGTCAGGTGTAATAGGGGGCTGAAATCTAAAATTGAA-3'
Protein context (NP_000102.1, residues 331-351): PDVETFQNTV[Gly341Arg]DCFGIAMVAF

ClinVar aggregate classification (germline): Uncertain significance (1 of 4 stars; one submission).

Submission:

CeGaT Center for Human Genetics Tuebingen
Classification: Uncertain significance. Last evaluated: 2026-01-01. Review status: criteria provided, single submitter. Criteria: CeGaT Center For Human Genetics Tuebingen Variant Classification Criteria Version 2. Collection method: clinical testing. Allele origin: germline. Affected: yes. Observed: 2 variant alleles.
Comment: SLC26A3: PM2, PM3